The following is an entry in ClinVar:

ClinVar aggregate classification (germline): Pathogenic (1 of 4 stars; one submission).

Conditions:
Exostoses, multiple, type 2 (EXT2). Also called: Hereditary Multiple Osteochondromatosis, Type II; EXOSTOSES, MULTIPLE, TYPE II. Identifiers: Orphanet 321, MedGen C1851413, MONDO:0007586, OMIM 133701.

Submission:

Labcorp Genetics (formerly Invitae), Labcorp
Classification: Pathogenic for Exostoses, multiple, type 2. Last evaluated: 2022-08-16. Review status: criteria provided, single submitter. Criteria: Invitae Variant Classification Sherloc (09022015). Collection method: clinical testing. Allele origin: germline.
Comment: This sequence change creates a premature translational stop signal (p.Tyr399*) in the EXT2 gene. It is expected to result in an absent or disrupted protein product. Loss-of-function variants in EXT2 are known to be pathogenic (PMID: 10679937, 19810120). This variant is not present in population databases (gnomAD no frequency). This premature translational stop signal has been observed in individual(s) with hereditary multiple osteochondromas (PMID: 31096510). For these reasons, this variant has been classified as Pathogenic.

Literature cited by the submitters: PubMed 10679937; PubMed 19810120; PubMed 31096510.

NM_207122.2(EXT2):c.1197C>G (p.Tyr399Ter)

Gene: EXT2 (exostosin glycosyltransferase 2; plus strand). Cytogenetic location: 11p11.2.
Variant type: single nucleotide variant.
Coding change: c.1197C>G on transcript NM_207122.2 (MANE Select); coding-DNA position 1197, C replaced by G.
Protein change: p.Tyr399Ter; replaces tyrosine 399 with a stop codon.
Molecular consequence: nonsense. On other transcripts: intron variant (1).
Genome position (GRCh38, 1-based): chr11:44,171,634, C>G. VCF-style: chr11-44171634-C-G. GRCh37 (hg19) VCF-style: chr11-44193184-C-G.
Other names: c.1296C>G, p.Tyr432Ter (NM_000401.3); c.1197C>G, p.Tyr399Ter (NM_001389628.1, NM_001389630.1); c.1267-40C>G (NM_001178083.3); short protein forms Y399*, Y432*.
Identifiers: ClinVar variation 2418970 (VCV002418970.7), dbSNP rs2135127682, ClinGen allele CA380175152.
Genomic context (GRCh38, chr11:44,171,634, plus strand): 5'-CGCTTGCTCACTTAAAACAGCATTATTTTCTTTATAGGCCCGGTGGTTCTGGGAAGCGTA[C>G]TTCCAGTCAATTAAAGCCATTGCCCTGGCCACCCTGCAGATTATCAATGACCGGATCTAT-3'